The following is an entry in ClinVar:

NM_002317.7(LOX):c.681C>G (p.Tyr227Ter)

Genes: LOX (lysyl oxidase; minus strand), SRFBP1 (serum response factor binding protein 1; plus strand). Cytogenetic location: 5q23.1.
Variant type: single nucleotide variant.
Coding change: c.681C>G on transcript NM_002317.7 (MANE Select); coding-DNA position 681, C replaced by G.
Protein change: p.Tyr227Ter; replaces tyrosine 227 with a stop codon.
Molecular consequence: nonsense. On other transcripts: 5 prime UTR variant (1), intron variant (1).
Genome position (GRCh38, 1-based): chr5:122,076,952, G>C on the plus strand (C>G on the coding strand, the complement: LOX is on the minus strand). VCF-style: chr5-122076952-G-C. GRCh37 (hg19) VCF-style: chr5-121412647-G-C.
Other names: c.-10C>G (NM_001178102.2); c.-152+140C>G (NM_001317073.1); short protein forms Y227*.
Identifiers: ClinVar variation 2584393 (VCV002584393.3), dbSNP rs1754655630, ClinGen allele CA360875103.
Genomic context (GRCh38, chr5:122,076,952, plus strand): 5'-CCTGGCCAGACAGTTTTCCTCCGCCGCGCATCTCAGGTTGTACATGGACATCTTCTGCAC[G>C]TACGTGGACGCCTGGATGTAGTAGGGGTCGGCCACCAGGTCTGGGAGACCTAAACGTCAG-3'

ClinVar aggregate classification (germline): Pathogenic/Likely pathogenic. Review status: criteria provided, multiple submitters, no conflicts (2 of 4 stars). 2 submissions from 2 submitters: Pathogenic (1); Likely pathogenic (1). Last evaluated 2024-05-26.

Conditions:
Aortic aneurysm, familial thoracic 10 (AAT10). Identifiers: MedGen C4284414, MONDO:0014950, OMIM 617168.

Submissions (2):

Labcorp Genetics (formerly Invitae), Labcorp
Classification: Pathogenic. Last evaluated: 2024-05-26. Review status: criteria provided, single submitter. Criteria: Invitae Variant Classification Sherloc (09022015). Collection method: clinical testing. Allele origin: germline.
Comment: This sequence change creates a premature translational stop signal (p.Tyr227*) in the LOX gene. It is expected to result in an absent or disrupted protein product. Loss-of-function variants in LOX are known to be pathogenic (PMID: 12417550, 26838787, 27432961). This variant is not present in population databases (gnomAD no frequency). This variant has not been reported in the literature in individuals affected with LOX-related conditions. ClinVar contains an entry for this variant (Variation ID: 2584393). For these reasons, this variant has been classified as Pathogenic.

Institute of Human Genetics Munich, TUM University Hospital
Classification: Likely pathogenic for Aortic aneurysm, familial thoracic 10. Last evaluated: 2022-10-19. Review status: criteria provided, single submitter. Criteria: Classification criteria August 2017. Collection method: clinical testing. Allele origin: germline. Inheritance: Autosomal dominant inheritance. Affected: yes. Observed: 1 variant allele.

Literature cited by the submitters: PubMed 12417550 (cited by Labcorp Genetics (formerly Invitae), Labcorp); PubMed 26838787 (cited by Labcorp Genetics (formerly Invitae), Labcorp); PubMed 27432961 (cited by Labcorp Genetics (formerly Invitae), Labcorp).